The following is an entry in ClinVar:

NM_000814.6(GABRB3):c.1418A>C (p.Asn473Thr)

Gene: GABRB3 (gamma-aminobutyric acid type A receptor subunit beta3; minus strand). Cytogenetic location: 15q12.
Variant type: single nucleotide variant.
Coding change: c.1418A>C on transcript NM_000814.6 (MANE Select); coding-DNA position 1418, A replaced by C.
Protein change: p.Asn473Thr; replaces asparagine 473 with threonine.
Molecular consequence: missense variant.
Genome position (GRCh38, 1-based): chr15:26,547,797, T>G on the plus strand (A>C on the coding strand, the complement: GABRB3 is on the minus strand). VCF-style: chr15-26547797-T-G. GRCh37 (hg19) VCF-style: chr15-26792944-T-G.
Other names: c.1163A>C, p.Asn388Thr (NM_001191320.2, NM_001278631.2); c.1205A>C, p.Asn402Thr (NM_001191321.3); c.1418A>C, p.Asn473Thr (NM_021912.5); short protein forms N388T, N402T, N473T.
Identifiers: ClinVar variation 3338982 (VCV003338982.2).

ClinVar aggregate classification (germline): Uncertain significance (1 of 4 stars; one submission).

Submission:

Women's Health and Genetics/Laboratory Corporation of America, LabCorp
Classification: Uncertain significance. Last evaluated: 2025-07-14. Review status: criteria provided, single submitter. Criteria: LabCorp Variant Classification Summary - May 2015. Collection method: clinical testing. Allele origin: germline.
Comment: Variant summary: GABRB3 c.1418A>C (p.Asn473Thr) results in a non-conservative amino acid change in the encoded protein sequence. Algorithms developed to predict the effect of missense changes on protein structure and function all suggest that this variant is likely to be disruptive. The variant was absent in 248814 control chromosomes. The available data on variant occurrences in the general population are insufficient to allow any conclusion about variant significance. To our knowledge, no occurrence of c.1418A>C in individuals affected with Developmental And Epileptic Encephalopathy, 43 and no experimental evidence demonstrating its impact on protein function have been reported. ClinVar contains an entry for this variant (Variation ID: 3338982). Based on the evidence outlined above, the variant was classified as uncertain significance.